The following is an entry in ClinVar:

ClinVar aggregate classification (germline): Uncertain significance (1 of 4 stars; one submission).

Conditions:
Neuromuscular disease caused by qualitative or quantitative defects of dysferlin. Also called: Dysferlinopathy; Qualitative or quantitative defects of dysferlin. Identifiers: Orphanet 207073, MedGen C2931687, MONDO:0016145.

Submission:

Labcorp Genetics (formerly Invitae), Labcorp
Classification: Uncertain significance for Neuromuscular disease caused by qualitative or quantitative defects of dysferlin. Last evaluated: 2023-03-30. Review status: criteria provided, single submitter. Criteria: Invitae Variant Classification Sherloc (09022015). Collection method: clinical testing. Allele origin: germline.
Comment: In summary, the available evidence is currently insufficient to determine the role of this variant in disease. Therefore, it has been classified as a Variant of Uncertain Significance. Advanced modeling of protein sequence and biophysical properties (such as structural, functional, and spatial information, amino acid conservation, physicochemical variation, residue mobility, and thermodynamic stability) performed at Invitae indicates that this missense variant is not expected to disrupt DYSF protein function. ClinVar contains an entry for this variant (Variation ID: 538645). This variant has not been reported in the literature in individuals affected with DYSF-related conditions. This variant is not present in population databases (gnomAD no frequency). This sequence change replaces proline, which is neutral and non-polar, with glutamine, which is neutral and polar, at codon 1020 of the DYSF protein (p.Pro1020Gln).

NM_001130987.2(DYSF):c.3113C>A (p.Pro1038Gln)

Gene: DYSF (dysferlin; plus strand). Cytogenetic location: 2p13.2.
Variant type: single nucleotide variant.
Coding change: c.3113C>A on transcript NM_001130987.2 (MANE Select); coding-DNA position 3113, C replaced by A.
Protein change: p.Pro1038Gln; replaces proline 1038 with glutamine.
Molecular consequence: missense variant.
Genome position (GRCh38, 1-based): chr2:71,570,626, C>A. VCF-style: chr2-71570626-C-A. GRCh37 (hg19) VCF-style: chr2-71797756-C-A.
Other names: c.3062C>A, p.Pro1021Gln (NM_001130455.2, NM_001130983.2); c.3017C>A, p.Pro1006Gln (NM_001130976.2, NM_001130977.2); c.3059C>A, p.Pro1020Gln (NM_001130978.2, NM_003494.4); c.3152C>A, p.Pro1051Gln (NM_001130979.2); c.3110C>A, p.Pro1037Gln (NM_001130980.2, NM_001130981.2); c.3155C>A, p.Pro1052Gln (NM_001130982.2); c.3020C>A, p.Pro1007Gln (NM_001130984.2, NM_001130986.2); c.3113C>A, p.Pro1038Gln (NM_001130985.2); short protein forms P1020Q, P1038Q, P1006Q, P1007Q, P1021Q, P1037Q, P1051Q, P1052Q.
Identifiers: ClinVar variation 538645 (VCV000538645.9), dbSNP rs764931697, ClinGen allele CA347216942.